The following is an entry in ClinVar:

NM_017654.4(SAMD9):c.1000G>A (p.Glu334Lys)

Gene: SAMD9 (sterile alpha motif domain containing 9; minus strand). Cytogenetic location: 7q21.2.
Variant type: single nucleotide variant.
Coding change: c.1000G>A on transcript NM_017654.4 (MANE Select); coding-DNA position 1000, G replaced by A.
Protein change: p.Glu334Lys; replaces glutamic acid 334 with lysine.
Molecular consequence: missense variant.
Genome position (GRCh38, 1-based): chr7:93,105,098, C>T on the plus strand (G>A on the coding strand, the complement: SAMD9 is on the minus strand). VCF-style: chr7-93105098-C-T. GRCh37 (hg19) VCF-style: chr7-92734411-C-T.
Other names: c.1000G>A, p.Glu334Lys (NM_001193307.2); c.1000G>A (NM_017654.3); short protein forms E334K.
Identifiers: ClinVar variation 1402031 (VCV001402031.9), dbSNP rs760747768, ClinGen allele CA4343048.
Genomic context (GRCh38, chr7:93,105,098, plus strand): 5'-TCGTAATGTCCTTAGAGCTGGTCCCATCTCGCACAAATAGTGAGAATTTTTTACTTTGTT[C>T]CCATATTTTGTTGTTGTAATTTTGCATTTTAATCTGGAAATAATCATATTGGCATTCAGA-3'
Protein context (NP_060124.2, residues 324-344): KMQNYNNKIW[Glu334Lys]QSKKFSLFVR

ClinVar aggregate classification (germline): Conflicting classifications of pathogenicity. Review status: criteria provided, conflicting classifications (1 of 4 stars). 2 submissions from 2 submitters: Uncertain significance (1); Likely benign (1). Last evaluated 2025-06-09.

Conditions:
Inborn genetic diseases. Identifiers: MedGen C0950123, MeSH D030342.

Allele frequency attached by ClinVar (database versions not stated): gnomAD exomes below 0.00001; ExAC 0.00001.
gnomAD v4.1: 1 of 1,613,706 alleles (0.000062%); highest among the groups gnomAD compares: Admixed American, 0.0017%; no homozygotes.

Submissions (2):

Ambry Genetics
Classification: Likely benign for Inborn genetic diseases. Last evaluated: 2025-06-09. Review status: criteria provided, single submitter. Criteria: Ambry Variant Classification Scheme 2023. Collection method: clinical testing. Allele origin: germline.

Labcorp Genetics (formerly Invitae), Labcorp
Classification: Uncertain significance. Last evaluated: 2022-08-15. Review status: criteria provided, single submitter. Criteria: Invitae Variant Classification Sherloc (09022015). Collection method: clinical testing. Allele origin: germline.
Comment: In summary, the available evidence is currently insufficient to determine the role of this variant in disease. Therefore, it has been classified as a Variant of Uncertain Significance. Algorithms developed to predict the effect of missense changes on protein structure and function output the following: SIFT: "Tolerated"; PolyPhen-2: "Benign"; Align-GVGD: "Class C0". The lysine amino acid residue is found in multiple mammalian species, which suggests that this missense change does not adversely affect protein function. ClinVar contains an entry for this variant (Variation ID: 1402031). This variant has not been reported in the literature in individuals affected with SAMD9-related conditions. This variant is present in population databases (rs760747768, gnomAD 0.003%). This sequence change replaces glutamic acid, which is acidic and polar, with lysine, which is basic and polar, at codon 334 of the SAMD9 protein (p.Glu334Lys).